The following is an entry in ClinVar:

ClinVar aggregate classification (germline): Uncertain significance. Review status: criteria provided, multiple submitters, no conflicts (2 of 4 stars). 4 submissions from 4 submitters: Uncertain significance (4). Last evaluated 2025-12-23.

Conditions:
Holoprosencephaly sequence (HPE). Also called: Holoprosencephaly. Identifiers: Orphanet 2162, MedGen C0079541, MONDO:0016296, HP:0001360.

Allele frequency attached by ClinVar (database versions not stated): ExAC 0.00022; ESP Exome Variant Server 0.00023; gnomAD exomes 0.00024; gnomAD 0.00043 and 0.00045; TOPMed 0.00047; 1000 Genomes Project 30x 0.00016; 1000 Genomes Project 0.00020.

Submissions (4):

Labcorp Genetics (formerly Invitae), Labcorp
Classification: Uncertain significance for Holoprosencephaly sequence. Last evaluated: 2025-12-23. Review status: criteria provided, single submitter. Criteria: Invitae Variant Classification Sherloc (09022015). Collection method: clinical testing. Allele origin: germline.
Comment: This sequence change replaces aspartic acid, which is acidic and polar, with glycine, which is neutral and non-polar, at codon 350 of the FOXH1 protein (p.Asp350Gly). This variant is present in population databases (rs138792321, gnomAD 0.06%), and has an allele count higher than expected for a pathogenic variant. This missense change has been observed in individual(s) with holoprosencephaly and/or tetralogy of Fallot (PMID: 18538293). ClinVar contains an entry for this variant (Variation ID: 458508). Invitae Evidence Modeling of protein sequence and biophysical properties (such as structural, functional, and spatial information, amino acid conservation, physicochemical variation, residue mobility, and thermodynamic stability) indicates that this missense variant is not expected to disrupt FOXH1 protein function with a negative predictive value of 80%. In summary, the available evidence is currently insufficient to determine the role of this variant in disease. Therefore, it has been classified as a Variant of Uncertain Significance.

GeneDx
Classification: Uncertain significance. Last evaluated: 2023-12-19. Review status: criteria provided, single submitter. Criteria: GeneDx Variant Classification Process June 2021. Collection method: clinical testing. Allele origin: germline. Affected: yes.
Comment: In silico analysis supports that this missense variant does not alter protein structure/function; This variant is associated with the following publications: (PMID: 20497191, 18538293)

ARUP Laboratories, Molecular Genetics and Genomics, ARUP Laboratories
Classification: Uncertain significance. Last evaluated: 2020-03-30. Review status: criteria provided, single submitter. Criteria: ARUP Molecular Germline Variant Investigation Process. Collection method: clinical testing. Allele origin: germline.
Comment: The FOXH1 c.1049A>G; p.Asp350Gly variant (rs138792321) is reported in the literature in two individuals affected with holoprosencephaly, one of whom was homozygous for the variant, and another individual with tetralogy of Fallot (Roessler 2008). This variant is found in the general population with an overall allele frequency of 0.02% (67/274084 alleles) in the Genome Aggregation Database. The aspartate at codon 350 is weakly conserved, but computational analyses (SIFT: damaging, PolyPhen-2: benign) predict conflicting effects of this variant on protein structure/function. This variant also exhibited decreased ability to rescue zebrafish morphant defects, however the extent and significance of such decreased activity is unclear. Due to limited information, the clinical significance of the p.Asp350Gly variant is uncertain at this time. References: Roessler et al., Reduced NODAL signaling strength via mutation of several pathway members including FOXH1 is linked to human heart defects and holoprosencephaly. Am J Hum Genet. 2008 Jul;83(1):18-29.

Illumina Laboratory Services, Illumina
Classification: Uncertain significance for Holoprosencephaly sequence. Last evaluated: 2017-04-27. Review status: criteria provided, single submitter. Criteria: ICSL Variant Classification Criteria 13 December 2019. Collection method: clinical testing. Allele origin: germline.
Comment: This variant was observed as part of a predisposition screen in an ostensibly healthy population. A literature search was performed for the gene, cDNA change, and amino acid change (where applicable). Publications were found based on this search. However, the evidence from the literature, in combination with allele frequency data from public databases where available, was not sufficient to rule this variant in or out of causing disease. Therefore, this variant is classified as a variant of unknown significance.

Literature cited by the submitters: PubMed 18538293 (cited by Labcorp Genetics (formerly Invitae), Labcorp and Illumina Laboratory Services, Illumina).

NM_003923.3(FOXH1):c.1049A>G (p.Asp350Gly)

Gene: FOXH1 (forkhead box H1; minus strand). Cytogenetic location: 8q24.3.
Variant type: single nucleotide variant.
Coding change: c.1049A>G on transcript NM_003923.3 (MANE Select); coding-DNA position 1049, A replaced by G.
Protein change: p.Asp350Gly; replaces aspartic acid 350 with glycine.
Molecular consequence: missense variant.
Genome position (GRCh38, 1-based): chr8:144,474,287, T>C on the plus strand (A>G on the coding strand, the complement: FOXH1 is on the minus strand). VCF-style: chr8-144474287-T-C. GRCh37 (hg19) VCF-style: chr8-145699670-T-C.
Other names: short protein forms D350G.
Identifiers: ClinVar variation 458508 (VCV000458508.20), dbSNP rs138792321, ClinGen allele CA4945372.